The following is an entry in ClinVar:

ClinVar aggregate classification (germline): Uncertain significance (1 of 4 stars; one submission).

Conditions:
Spastic paraplegia. Identifiers: MedGen C0037772, HP:0001258.

Allele frequency attached by ClinVar (database versions not stated): gnomAD 0.00001.
gnomAD v4.1: 1 of 1,614,098 alleles (0.000062%); highest among the groups gnomAD compares: Admixed American, 0.0017%; no homozygotes.

Submission:

Labcorp Genetics (formerly Invitae), Labcorp
Classification: Uncertain significance for Spastic paraplegia. Last evaluated: 2024-12-09. Review status: criteria provided, single submitter. Criteria: Invitae Variant Classification Sherloc (09022015). Collection method: clinical testing. Allele origin: germline.
Comment: This sequence change replaces glutamine, which is neutral and polar, with arginine, which is basic and polar, at codon 1703 of the ZFYVE26 protein (p.Gln1703Arg). This variant is not present in population databases (gnomAD no frequency). This variant has not been reported in the literature in individuals affected with ZFYVE26-related conditions. ClinVar contains an entry for this variant (Variation ID: 1504886). An algorithm developed to predict the effect of missense changes on protein structure and function (PolyPhen-2) suggests that this variant is likely to be tolerated. In summary, the available evidence is currently insufficient to determine the role of this variant in disease. Therefore, it has been classified as a Variant of Uncertain Significance.

NM_015346.4(ZFYVE26):c.5108A>G (p.Gln1703Arg)

Gene: ZFYVE26 (zinc finger FYVE-type containing 26; minus strand). Cytogenetic location: 14q24.1.
Variant type: single nucleotide variant.
Coding change: c.5108A>G on transcript NM_015346.4 (MANE Select); coding-DNA position 5108, A replaced by G.
Protein change: p.Gln1703Arg; replaces glutamine 1703 with arginine.
Molecular consequence: missense variant.
Genome position (GRCh38, 1-based): chr14:67,775,973, T>C on the plus strand (A>G on the coding strand, the complement: ZFYVE26 is on the minus strand). VCF-style: chr14-67775973-T-C. GRCh37 (hg19) VCF-style: chr14-68242690-T-C.
Other names: short protein forms Q1703R.
Identifiers: ClinVar variation 1504886 (VCV001504886.6), dbSNP rs2039330775, ClinGen allele CA390168296.